The following is an entry in ClinVar:

NM_144997.7(FLCN):c.268G>T (p.Ala90Ser)

Gene: FLCN (folliculin; minus strand). Cytogenetic location: 17p11.2.
Variant type: single nucleotide variant.
Coding change: c.268G>T on transcript NM_144997.7 (MANE Select); coding-DNA position 268, G replaced by T.
Protein change: p.Ala90Ser; replaces alanine 90 with serine.
Molecular consequence: missense variant.
Genome position (GRCh38, 1-based): chr17:17,226,304, C>A on the plus strand (G>T on the coding strand, the complement: FLCN is on the minus strand). VCF-style: chr17-17226304-C-A. GRCh37 (hg19) VCF-style: chr17-17129618-C-A.
Other names: c.268G>T, p.Ala90Ser (NM_001353229.2, NM_001353230.2, NM_001353231.2 and 1 more transcripts); c.268G>T (LRG_325t1, NM_144997.6); short protein forms A90S.
Identifiers: ClinVar variation 41857 (VCV000041857.41), dbSNP rs141140415, ClinGen allele CA159767.

ClinVar aggregate classification (germline): Conflicting classifications of pathogenicity. Review status: criteria provided, conflicting classifications (1 of 4 stars). 18 submissions from 17 submitters: Uncertain significance (6); Benign (2); Likely benign (6). 4 of the submissions do not count toward it. Last evaluated 2026-02-25.

Conditions:
FLCN-related disorder. Also called: FLCN-related condition.
Familial spontaneous pneumothorax (PSP). Identifiers: Orphanet 2903, MedGen C1868193, MONDO:0008259, OMIM 173600.
Nonpapillary renal cell carcinoma. Identifiers: Orphanet 422526, MedGen CN074294, MONDO:0007763, OMIM 144700.
Colorectal cancer. Also called: Colorectal cancer, somatic; Malignant Colorectal Neoplasm. Identifiers: MedGen C0346629, MONDO:0005575, OMIM 114500.
17p11.2 microduplication syndrome (PTLS). Also called: CHROMOSOME 17p11.2 DUPLICATION SYNDROME; Potocki-Lupski syndrome; Duplication 17p11.2 syndrome; Potocki-Lupski syndrome (dup(17)(p11.2p11.2)). Identifiers: Orphanet 1713, MedGen C2931246, MONDO:0012574, OMIM 610883.
Birt-Hogg-Dube syndrome 1 (BHD1). Also called: FIBROFOLLICULOMAS WITH TRICHODISCOMAS AND ACROCHORDONS. Identifiers: Orphanet 122, MedGen CN375946, MONDO:0800445, OMIM 135150.
Hereditary cancer-predisposing syndrome. Also called: Hereditary Cancer Syndrome; Neoplastic Syndromes, Hereditary; Hereditary neoplastic syndrome; Tumor predisposition. Identifiers: Orphanet 140162, MedGen C0027672, MeSH D009386, MONDO:0015356.
Birt-Hogg-Dube syndrome. Also called: Birt Hogg Dubé syndrome. Identifiers: Orphanet 122, MedGen C0346010, MONDO:0800444.

Allele frequency attached by ClinVar (database versions not stated): TOPMed 0.00021; gnomAD 0.00026 and 0.00029; gnomAD exomes 0.00037; ExAC 0.00042; ESP Exome Variant Server 0.00062.

Submissions (18):

PreventionGenetics, part of Exact Sciences
Classification: Likely benign for FLCN-related condition. Last evaluated: 2026-02-25. Review status: criteria provided, single submitter. Criteria: ACMG Guidelines, 2015. Collection method: clinical testing. Allele origin: germline.
Comment: This variant is classified as likely benign based on ACMG/AMP sequence variant interpretation guidelines (Richards et al. 2015 PMID: 25741868, with internal and published modifications).

Labcorp Genetics (formerly Invitae), Labcorp
Classification: Likely benign for Birt-Hogg-Dube syndrome. Last evaluated: 2026-01-31. Review status: criteria provided, single submitter. Criteria: Invitae Variant Classification Sherloc (09022015). Collection method: clinical testing. Allele origin: germline.

Center for Genomic Medicine, Rigshospitalet, Copenhagen University Hospital
Classification: Likely benign. Last evaluated: 2025-03-04. Review status: criteria provided, single submitter. Criteria: ACMG Guidelines, 2015. Collection method: clinical testing. Allele origin: germline.

Myriad Genetics, Inc.
Classification: Likely benign for Birt-Hogg-Dube syndrome 1. Last evaluated: 2024-10-22. Review status: criteria provided, single submitter. Criteria: Myriad Autosomal Dominant, Autosomal Recessive and X-Linked Classification Criteria (2023). Collection method: clinical testing. Allele origin: unknown.
Comment: This variant is considered likely benign. This variant has been observed at a population frequency that is significantly greater than expected given the associated disease prevalence and penetrance.

Mayo Clinic Laboratories, Mayo Clinic
Classification: Uncertain significance. Last evaluated: 2023-10-17. Review status: criteria provided, single submitter. Criteria: ACMG Guidelines, 2015. Collection method: clinical testing. Allele origin: germline. Observed: 1 variant allele.

ARUP Laboratories, Molecular Genetics and Genomics, ARUP Laboratories
Classification: Uncertain significance. Last evaluated: 2023-10-09. Review status: criteria provided, single submitter. Criteria: ARUP Molecular Germline Variant Investigation Process 2024. Collection method: clinical testing. Allele origin: germline.
Comment: The FLCN c.268G>T; p.Ala90Ser variant (rs141140415), has not been reported in the medical literature in FLCN-related conditions, but is reported in the ClinVar database (Variation ID: 41857). This variant is found in the general population with an overall allele frequency of 0.03% (97/282,776 alleles) in the Genome Aggregation Database. Computational analyses are uncertain whether this variant is neutral or deleterious (REVEL: 0.448). Due to limited information, the clinical significance of this variant is uncertain at this time.

Quest Diagnostics Nichols Institute San Juan Capistrano
Classification: Benign. Last evaluated: 2022-11-17. Review status: criteria provided, single submitter. Criteria: Quest Diagnostics criteria. Collection method: clinical testing. Allele origin: unknown.

Institute for Clinical Genetics, University Hospital TU Dresden, University Hospital TU Dresden
Classification: Uncertain significance. Last evaluated: 2021-11-03. Review status: criteria provided, single submitter. Criteria: ACMG Guidelines, 2015. Collection method: clinical testing. Allele origin: germline.

Department of Pathology and Laboratory Medicine, Sinai Health System
Classification: Uncertain significance for Colorectal cancer; Birt-Hogg-Dube syndrome 1; Nonpapillary renal cell carcinoma; Familial spontaneous pneumothorax; 17p11.2 microduplication syndrome. Last evaluated: 2021-07-30. Review status: criteria provided, single submitter. Criteria: ACMG Guidelines, 2015. Collection method: research. Allele origin: germline.

Sema4
Classification: Uncertain significance for Hereditary cancer-predisposing syndrome. Last evaluated: 2021-04-20. Review status: criteria provided, single submitter. Criteria: Sema4 Curation Guidelines. Collection method: curation. Allele origin: germline.
Comment: The FLCN c.268G>T (p.A90S) variant has been reported in one individual with Birt-Hogg-Dube syndrome, however this individual also carried another variant in FLCN that may be responsible for disease (PMID: 27734835). It has also been reported in cohorts not ascertained for cancer (PMID: 24728327, 22703879). It was observed in 80/129100 chromosomes of the Non-Finnish European subpopulation, with no homozygotes, in the Genome Aggregation Database. The variant has been reported in ClinVar (Variation ID 41857). In silico tools suggest the impact of the variant on protein function is inconclusive, though these predictions have not been confirmed by functional studies. The evidence is insufficient to meet ACMG/AMP criteria for classifying the variant as benign or pathogenic. Thus, the clinical significance of this variant is currently uncertain.

GeneDx
Classification: Likely benign. Last evaluated: 2020-08-31. Review status: criteria provided, single submitter. Criteria: GeneDx Variant Classification Process June 2021. Collection method: clinical testing. Allele origin: germline. Affected: yes.
Comment: This variant is associated with the following publications: (PMID: 24728327, 26096009, 22703879, 27734835)

Ambry Genetics
Classification: Likely benign for Hereditary cancer-predisposing syndrome. Last evaluated: 2018-05-09. Review status: criteria provided, single submitter. Criteria: Ambry Variant Classification Scheme 2023. Collection method: clinical testing. Allele origin: germline.

Illumina Laboratory Services, Illumina
Classification: Uncertain significance for Familial spontaneous pneumothorax. Last evaluated: 2018-01-13. Review status: criteria provided, single submitter. Criteria: ICSL Variant Classification Criteria 13 December 2019. Collection method: clinical testing. Allele origin: germline.

Illumina Laboratory Services, Illumina
Classification: Benign for Birt-Hogg-Dube syndrome 1. Last evaluated: 2018-01-13. Review status: criteria provided, single submitter. Criteria: ICSL Variant Classification Criteria 13 December 2019. Collection method: clinical testing. Allele origin: germline.
Comment: This variant was observed in the ICSL laboratory as part of a predisposition screen in an ostensibly healthy population. It had not been previously curated by ICSL or reported in the Human Gene Mutation Database (HGMD: prior to June 1st, 2018), and was therefore a candidate for classification through an automated scoring system. Utilizing variant allele frequency, disease prevalence and penetrance estimates, and inheritance mode, an automated score was calculated to assess if this variant is too frequent to cause the disease. Based on the score and internal cut-off values, a variant classified as benign is not then subjected to further curation. The score for this variant resulted in a classification of benign for this disease.

ITMI
No classification provided. Condition: AllHighlyPenetrant. Last evaluated: 2013-09-19. Review status: no classification provided. Collection method: reference population. Allele origin: germline. Not counted in ClinVar's aggregate classification.
Comment: Please see associated publication for description of ethnicities

Biesecker Lab/Clinical Genomics Section, National Institutes of Health
Classification: Uncertain significance. Last evaluated: 2012-07-13. Review status: no assertion criteria provided. Collection method: research. Allele origin: germline. Affected: no. Observed: 1 variant allele. Study: ClinSeq. Not counted in ClinVar's aggregate classification.
ClinVar note: Converted during submission from variant of unknown significance to Uncertain significance.

Genome Diagnostics Laboratory, Amsterdam University Medical Center
Classification: Likely benign. Review status: no assertion criteria provided. Collection method: clinical testing. Allele origin: germline. Affected: yes. Study: VKGL Data-share Consensus. Not counted in ClinVar's aggregate classification.

Joint Genome Diagnostic Labs from Nijmegen and Maastricht, Radboudumc and MUMC+
Classification: Likely benign. Review status: no assertion criteria provided. Collection method: clinical testing. Allele origin: germline. Affected: yes. Study: VKGL Data-share Consensus. Not counted in ClinVar's aggregate classification.

Literature cited by the submitters: PubMed 27734835 (cited by 4 submitters); PubMed 24728327 (cited by 4 submitters).